The following is an entry in ClinVar:

ClinVar aggregate classification (germline): Uncertain significance (1 of 4 stars; one submission).

Allele frequency attached by ClinVar (database versions not stated): gnomAD 0.00001.
gnomAD v4.1: 4 of 1,613,880 alleles (0.00025%); highest among the groups gnomAD compares: East Asian, 0.0022%; no homozygotes.

Submission:

Labcorp Genetics (formerly Invitae), Labcorp
Classification: Uncertain significance. Last evaluated: 2023-11-27. Review status: criteria provided, single submitter. Criteria: Invitae Variant Classification Sherloc (09022015). Collection method: clinical testing. Allele origin: germline.
Comment: This sequence change replaces threonine, which is neutral and polar, with methionine, which is neutral and non-polar, at codon 752 of the AARS2 protein (p.Thr752Met). This variant is present in population databases (no rsID available, gnomAD 0.006%). This variant has not been reported in the literature in individuals affected with AARS2-related conditions. ClinVar contains an entry for this variant (Variation ID: 2111083). An algorithm developed to predict the effect of missense changes on protein structure and function (PolyPhen-2) suggests that this variant is likely to be disruptive. In summary, the available evidence is currently insufficient to determine the role of this variant in disease. Therefore, it has been classified as a Variant of Uncertain Significance.

NM_020745.4(AARS2):c.2255C>T (p.Thr752Met)

Gene: AARS2 (alanyl-tRNA synthetase 2, mitochondrial; minus strand). Cytogenetic location: 6p21.1.
Variant type: single nucleotide variant.
Coding change: c.2255C>T on transcript NM_020745.4 (MANE Select); coding-DNA position 2255, C replaced by T.
Protein change: p.Thr752Met; replaces threonine 752 with methionine.
Molecular consequence: missense variant.
Genome position (GRCh38, 1-based): chr6:44,303,066, G>A on the plus strand (C>T on the coding strand, the complement: AARS2 is on the minus strand). VCF-style: chr6-44303066-G-A. GRCh37 (hg19) VCF-style: chr6-44270803-G-A.
Other names: short protein forms T752M.
Identifiers: ClinVar variation 2111083 (VCV002111083.4), dbSNP rs1255813698, ClinGen allele CA364337287.